The following is an entry in ClinVar:

ClinVar aggregate classification (germline): Uncertain significance. Review status: criteria provided, multiple submitters, no conflicts (2 of 4 stars). 6 submissions from 6 submitters: Uncertain significance (5). 1 of the submissions does not count toward it. Last evaluated 2024-12-01.

Conditions:
Usher syndrome type 1F (USH1F). Also called: USHER SYNDROME, TYPE IF. Identifiers: Orphanet 231169, Orphanet 886, MedGen C1865885, MONDO:0011186, OMIM 602083.

Allele frequency attached by ClinVar (database versions not stated): gnomAD exomes below 0.00001 and 0.00004; ExAC 0.00001; gnomAD 0.00002 and 0.00001; TOPMed 0.00002; ESP Exome Variant Server 0.00015.
gnomAD v4.1: 70 of 1,602,708 alleles (0.0044%); highest among the groups gnomAD compares: Non-Finnish European, 0.0054%; no homozygotes.

Submissions (6):

CeGaT Center for Human Genetics Tuebingen
Classification: Uncertain significance. Last evaluated: 2024-12-01. Review status: criteria provided, single submitter. Criteria: CeGaT Center For Human Genetics Tuebingen Variant Classification Criteria Version 2. Collection method: clinical testing. Allele origin: germline. Affected: yes. Observed: 1 variant allele.
Comment: PCDH15: PM2, PP3

GeneDx
Classification: Uncertain significance. Last evaluated: 2024-05-30. Review status: criteria provided, single submitter. Criteria: GeneDx Variant Classification Process June 2021. Collection method: clinical testing. Allele origin: germline. Affected: yes.
Comment: Not observed at significant frequency in large population cohorts (gnomAD); In silico analysis supports a deleterious effect on splicing; Has not been previously published as pathogenic or benign to our knowledge

Labcorp Genetics (formerly Invitae), Labcorp
Classification: Uncertain significance. Last evaluated: 2022-06-25. Review status: criteria provided, single submitter. Criteria: Invitae Variant Classification Sherloc (09022015). Collection method: clinical testing. Allele origin: germline.
Comment: This sequence change falls in intron 23 of the PCDH15 gene. It does not directly change the encoded amino acid sequence of the PCDH15 protein. It affects a nucleotide within the consensus splice site. This variant is present in population databases (rs373365331, gnomAD 0.002%). This variant has not been reported in the literature in individuals affected with PCDH15-related conditions. ClinVar contains an entry for this variant (Variation ID: 497490). Variants that disrupt the consensus splice site are a relatively common cause of aberrant splicing (PMID: 17576681, 9536098). Algorithms developed to predict the effect of sequence changes on RNA splicing suggest that this variant may disrupt the consensus splice site. In summary, the available evidence is currently insufficient to determine the role of this variant in disease. Therefore, it has been classified as a Variant of Uncertain Significance.

Laboratory for Molecular Medicine, Mass General Brigham Personalized Medicine
Classification: Uncertain significance. Last evaluated: 2019-02-28. Review status: criteria provided, single submitter. Criteria: LMM Criteria. Collection method: clinical testing. Allele origin: germline. Observed: 1 variant allele.
Comment: The c.3122+3A>G variant in PCDH15 has not been previously reported in individuals with hearing loss but has been identified in 2/129002 European chromosomes by gnomAD. This variant is located in the 5' splice region. Computational tools do not predict a splicing impact, though this information is not predictive enough to rule out pathogenicity. In summary, the clinical significance of this variant is uncertain. ACMG/AMP Criteria applied: PM2, BP4.

Eurofins Ntd Llc (ga)
Classification: Uncertain significance. Last evaluated: 2016-09-30. Review status: criteria provided, single submitter. Criteria: EGL Classification Definitions 2015. Collection method: clinical testing. Allele origin: germline. Observed: 1 variant allele, 1 heterozygote.

Natera, Inc.
Classification: Uncertain significance for Usher syndrome type 1F. Last evaluated: 2020-11-11. Review status: no assertion criteria provided. Collection method: clinical testing. Allele origin: germline. Not counted in ClinVar's aggregate classification.

Literature cited by the submitters: PubMed 17576681 (cited by Labcorp Genetics (formerly Invitae), Labcorp); PubMed 9536098 (cited by Labcorp Genetics (formerly Invitae), Labcorp).

NM_001384140.1(PCDH15):c.3122+3A>G

Gene: PCDH15 (protocadherin related 15; minus strand). Cytogenetic location: 10q21.1.
Variant type: single nucleotide variant.
Coding change: c.3122+3A>G on transcript NM_001384140.1 (MANE Select); 3 bases into the intron after coding-DNA position 3122, A replaced by G.
Molecular consequence: intron variant.
Genome position (GRCh38, 1-based): chr10:53,959,729, T>C on the plus strand (A>G on the coding strand, the complement: PCDH15 is on the minus strand). VCF-style: chr10-53959729-T-C. GRCh37 (hg19) VCF-style: chr10-55719489-T-C.
Other names: c.3122+3A>G (NM_001354420.2, NM_001354429.2, NM_001142772.2 and 4 more transcripts); c.3137+3A>G (NM_001142771.2, NM_001142763.2); c.3143+3A>G (NM_001354411.2); c.3158+3A>G (NM_001142769.3); c.3056+3A>G (NM_001354404.2, NM_001142773.2, NM_001142768.2); c.3011+3A>G (NM_001142767.2); c.2909+3A>G (NM_001142765.2).
Identifiers: ClinVar variation 497490 (VCV000497490.25), dbSNP rs373365331, ClinGen allele CA5505808.